The following is an entry in ClinVar:

NM_017671.5(FERMT1):c.422C>T (p.Pro141Leu)

Gene: FERMT1 (FERM domain containing kindlin 1; minus strand). Cytogenetic location: 20p12.3.
Variant type: single nucleotide variant.
Coding change: c.422C>T on transcript NM_017671.5 (MANE Select); coding-DNA position 422, C replaced by T.
Protein change: p.Pro141Leu; replaces proline 141 with leucine.
Molecular consequence: missense variant.
Genome position (GRCh38, 1-based): chr20:6,112,587, G>A on the plus strand (C>T on the coding strand, the complement: FERMT1 is on the minus strand). VCF-style: chr20-6112587-G-A. GRCh37 (hg19) VCF-style: chr20-6093234-G-A.
Other names: c.422C>T (NM_017671.4); short protein forms P141L.
Identifiers: ClinVar variation 1403360 (VCV001403360.5), dbSNP rs369542572, ClinGen allele CA9758464.
Genomic context (GRCh38, chr20:6,112,587, plus strand): 5'-ATTATGGGTTCCTTATTATTTTTGTCTTTTTTCTTCTTCTTCTTAAAATAGTCACCAGAC[G>A]GCTTTAACAAGGAAAGCTCTTCTGATCTTCTAATATCTAGAAATAAATATTTTTTAAAAA-3'
Protein context (NP_060141.3, residues 131-151): RRSEELSLLK[Pro141Leu]SGDYFKKKKK

ClinVar aggregate classification (germline): Uncertain significance. Review status: criteria provided, multiple submitters, no conflicts (2 of 4 stars). 2 submissions from 2 submitters: Uncertain significance (2). Last evaluated 2025-05-26.

Conditions:
Inborn genetic diseases. Identifiers: MedGen C0950123, MeSH D030342.

Allele frequency attached by ClinVar (database versions not stated): gnomAD exomes 0.00005 and 0.00003; gnomAD 0.00002 and 0.00003; ESP Exome Variant Server 0.00008; TOPMed 0.00003; ExAC 0.00004.
gnomAD v4.1: 56 of 1,595,736 alleles (0.0035%); highest among the groups gnomAD compares: South Asian, 0.008%; no homozygotes.

Submissions (2):

Ambry Genetics
Classification: Uncertain significance for Inborn genetic diseases. Last evaluated: 2025-05-26. Review status: criteria provided, single submitter. Criteria: Ambry Variant Classification Scheme 2023. Collection method: clinical testing. Allele origin: germline.

Labcorp Genetics (formerly Invitae), Labcorp
Classification: Uncertain significance. Last evaluated: 2022-07-29. Review status: criteria provided, single submitter. Criteria: Invitae Variant Classification Sherloc (09022015). Collection method: clinical testing. Allele origin: germline.
Comment: This sequence change replaces proline, which is neutral and non-polar, with leucine, which is neutral and non-polar, at codon 141 of the FERMT1 protein (p.Pro141Leu). This variant is present in population databases (rs369542572, gnomAD 0.008%). This variant has not been reported in the literature in individuals affected with FERMT1-related conditions. ClinVar contains an entry for this variant (Variation ID: 1403360). Algorithms developed to predict the effect of missense changes on protein structure and function (SIFT, PolyPhen-2, Align-GVGD) all suggest that this variant is likely to be tolerated. In summary, the available evidence is currently insufficient to determine the role of this variant in disease. Therefore, it has been classified as a Variant of Uncertain Significance.